The following is an entry in ClinVar:

NM_001346754.2(PIGW):c.599C>T (p.Thr200Ile)

Genes: MYO19 (myosin XIX; minus strand), PIGW (phosphatidylinositol glycan anchor biosynthesis class W; plus strand). Cytogenetic location: 17q12.
Variant type: single nucleotide variant.
Coding change: c.599C>T on transcript NM_001346754.2 (MANE Select); coding-DNA position 599, C replaced by T.
Protein change: p.Thr200Ile; replaces threonine 200 with isoleucine.
Molecular consequence: missense variant.
Genome position (GRCh38, 1-based): chr17:36,537,700, C>T. VCF-style: chr17-36537700-C-T. GRCh37 (hg19) VCF-style: chr17-34893549-C-T.
Other names: c.599C>T, p.Thr200Ile (NM_001346755.2, NM_178517.5); short protein forms T200I.
Identifiers: ClinVar variation 955604 (VCV000955604.9), dbSNP rs753730055, ClinGen allele CA290116071.

ClinVar aggregate classification (germline): Uncertain significance. Review status: criteria provided, multiple submitters, no conflicts (2 of 4 stars). 2 submissions from 2 submitters: Uncertain significance (2). Last evaluated 2025-05-23.

Conditions:
Hyperphosphatasia with intellectual disability syndrome 5 (GPIBD11). Also called: GLYCOSYLPHOSPHATIDYLINOSITOL BIOSYNTHESIS DEFECT 11. Identifiers: Orphanet 247262, MedGen C4014958, MONDO:0014457, OMIM 616025.
Inborn genetic diseases. Identifiers: MedGen C0950123, MeSH D030342.

Allele frequency attached by ClinVar (database versions not stated): ExAC 0.00001; TOPMed 0.00001; gnomAD exomes 0.00001 and 0.00004.
gnomAD v4.1: 50 of 1,614,146 alleles (0.0031%); highest among the groups gnomAD compares: Non-Finnish European, 0.0042%; no homozygotes.

Submissions (2):

Ambry Genetics
Classification: Uncertain significance for Inborn genetic diseases. Last evaluated: 2025-05-23. Review status: criteria provided, single submitter. Criteria: Ambry Variant Classification Scheme 2023. Collection method: clinical testing. Allele origin: germline.

Labcorp Genetics (formerly Invitae), Labcorp
Classification: Uncertain significance for Hyperphosphatasia with intellectual disability syndrome 5. Last evaluated: 2022-02-04. Review status: criteria provided, single submitter. Criteria: Invitae Variant Classification Sherloc (09022015). Collection method: clinical testing. Allele origin: germline.
Comment: Algorithms developed to predict the effect of missense changes on protein structure and function output the following: SIFT: "Tolerated"; PolyPhen-2: "Benign"; Align-GVGD: "Class C0". The isoleucine amino acid residue is found in multiple mammalian species, which suggests that this missense change does not adversely affect protein function. ClinVar contains an entry for this variant (Variation ID: 955604). This variant has not been reported in the literature in individuals affected with PIGW-related conditions. This variant is present in population databases (rs753730055, gnomAD 0.002%). This sequence change replaces threonine, which is neutral and polar, with isoleucine, which is neutral and non-polar, at codon 200 of the PIGW protein (p.Thr200Ile). In summary, the available evidence is currently insufficient to determine the role of this variant in disease. Therefore, it has been classified as a Variant of Uncertain Significance.